The following is an entry in ClinVar:

NM_203290.4(POLR1C):c.382+100T>C

Gene: POLR1C (RNA polymerase I and III subunit C; plus strand). Cytogenetic location: 6p21.1.
Variant type: single nucleotide variant.
Coding change: c.382+100T>C on transcript NM_203290.4 (MANE Select); 100 bases into the intron after coding-DNA position 382, T replaced by C.
Molecular consequence: intron variant.
Genome position (GRCh38, 1-based): chr6:43,519,938, T>C. VCF-style: chr6-43519938-T-C. GRCh37 (hg19) VCF-style: chr6-43487676-T-C.
Other names: c.382+100T>C (NM_001363658.2, NM_001318876.2).
Identifiers: ClinVar variation 4813932 (VCV004813932.1).

ClinVar aggregate classification (germline): Likely benign (1 of 4 stars; one submission).

gnomAD v4.1: 2,064 of 1,540,564 alleles (0.13%); highest among the groups gnomAD compares: African/African-American, 2.6%; 27 homozygotes.

Submission:

GeneDx
Classification: Likely benign. Last evaluated: 2019-10-05. Review status: criteria provided, single submitter. Criteria: GeneDx Variant Classification Process June 2021. Collection method: clinical testing. Allele origin: germline. Affected: yes.
Comment: See Variant Classification Assertion Criteria.